The following is an entry in ClinVar:

ClinVar aggregate classification (germline): Uncertain significance (1 of 4 stars; one submission).

Conditions:
Aortic aneurysm, familial thoracic 4 (AAT4). Also called: AORTIC ANEURYSM/AORTIC DISSECTION AND PATENT DUCTUS ARTERIOSUS. Identifiers: MedGen C1851504, MONDO:0007568, OMIM 132900.

gnomAD v4.1: 1 of 1,614,242 alleles (0.000062%); highest among the groups gnomAD compares: South Asian, 0.0011%; no homozygotes.

Submission:

Labcorp Genetics (formerly Invitae), Labcorp
Classification: Uncertain significance for Aortic aneurysm, familial thoracic 4. Last evaluated: 2024-07-09. Review status: criteria provided, single submitter. Criteria: Invitae Variant Classification Sherloc (09022015). Collection method: clinical testing. Allele origin: germline.
Comment: This sequence change replaces glutamine, which is neutral and polar, with histidine, which is basic and polar, at codon 876 of the MYH11 protein (p.Gln876His). This variant is present in population databases (rs555471585, gnomAD 0.003%). This variant has not been reported in the literature in individuals affected with MYH11-related conditions. Advanced modeling of protein sequence and biophysical properties (such as structural, functional, and spatial information, amino acid conservation, physicochemical variation, residue mobility, and thermodynamic stability) performed at Invitae indicates that this missense variant is not expected to disrupt MYH11 protein function with a negative predictive value of 95%. In summary, the available evidence is currently insufficient to determine the role of this variant in disease. Therefore, it has been classified as a Variant of Uncertain Significance.

NM_002474.3(MYH11):c.2607G>C (p.Gln869His)

Gene: MYH11 (myosin heavy chain 11; minus strand). Cytogenetic location: 16p13.11.
Variant type: single nucleotide variant.
Coding change: c.2607G>C on transcript NM_002474.3 (MANE Select); coding-DNA position 2607, G replaced by C.
Protein change: p.Gln869His; replaces glutamine 869 with histidine.
Molecular consequence: missense variant.
Genome position (GRCh38, 1-based): chr16:15,741,805, C>G on the plus strand (G>C on the coding strand, the complement: MYH11 is on the minus strand). VCF-style: chr16-15741805-C-G. GRCh37 (hg19) VCF-style: chr16-15835662-C-G.
Other names: c.2628G>C, p.Gln876His (NM_001040113.2, NM_001040114.2); c.2607G>C, p.Gln869His (NM_022844.3); short protein forms Q869H, Q876H.
Identifiers: ClinVar variation 3710509 (VCV003710509.2).